The following is an entry in ClinVar:

ClinVar aggregate classification (germline): Uncertain significance (1 of 4 stars; one submission).

gnomAD v4.1: 2 of 1,613,466 alleles (0.00012%); highest among the groups gnomAD compares: Non-Finnish European, 0.00017%; no homozygotes.

Submission:

Labcorp Genetics (formerly Invitae), Labcorp
Classification: Uncertain significance. Last evaluated: 2025-08-22. Review status: criteria provided, single submitter. Criteria: Invitae Variant Classification Sherloc (09022015). Collection method: clinical testing. Allele origin: germline.
Comment: This sequence change replaces alanine, which is neutral and non-polar, with threonine, which is neutral and polar, at codon 65 of the NACC1 protein (p.Ala65Thr). This variant is not present in population databases (gnomAD no frequency). This missense change has been observed in individual(s) with autism (PMID: 35982159). Invitae Evidence Modeling of protein sequence and biophysical properties (such as structural, functional, and spatial information, amino acid conservation, physicochemical variation, residue mobility, and thermodynamic stability) indicates that this missense variant is not expected to disrupt NACC1 protein function with a negative predictive value of 80%. In summary, the available evidence is currently insufficient to determine the role of this variant in disease. Therefore, it has been classified as a Variant of Uncertain Significance.

Literature cited by the submitters: PubMed 35982159.

NM_052876.4(NACC1):c.193G>A (p.Ala65Thr)

Gene: NACC1 (nucleus accumbens associated 1; plus strand). Cytogenetic location: 19p13.13.
Variant type: single nucleotide variant.
Coding change: c.193G>A on transcript NM_052876.4 (MANE Select); coding-DNA position 193, G replaced by A.
Protein change: p.Ala65Thr; replaces alanine 65 with threonine.
Molecular consequence: missense variant.
Genome position (GRCh38, 1-based): chr19:13,135,400, G>A. VCF-style: chr19-13135400-G-A. GRCh37 (hg19) VCF-style: chr19-13246214-G-A.
Other names: short protein forms A65T.
Identifiers: ClinVar variation 4767807 (VCV004767807.1).
Genomic context (GRCh38, chr19:13,135,400, plus strand): 5'-CGGGCCGTGCTTGCTGCCAGCAGCTCCTACTTCCGGGACCTGTTCAACAACAGCCGCAGC[G>A]CCGTGGTGGAGCTGCCGGCGGCTGTGCAGCCCCAGTCTTTCCAGCAGATCCTCAGCTTCT-3'
Protein context (NP_443108.1, residues 55-75): FRDLFNNSRS[Ala65Thr]VVELPAAVQP